The following is an entry in ClinVar:

ClinVar aggregate classification (germline): Uncertain significance. Review status: criteria provided, multiple submitters, no conflicts (2 of 4 stars). 2 submissions from 2 submitters: Uncertain significance (2). Last evaluated 2024-11-13.

Conditions:
Primary ciliary dyskinesia. Also called: Ciliary dyskinesia. Identifiers: Orphanet 244, MedGen C0008780, MONDO:0016575, HP:0012265.

Allele frequency attached by ClinVar (database versions not stated): TOPMed 0.00004; 1000 Genomes Project 30x 0.00016; 1000 Genomes Project 0.00020.
gnomAD v4.1: 30 of 1,613,642 alleles (0.0019%); highest among the groups gnomAD compares: African/African-American, 0.017%; no homozygotes.

Submissions (2):

Ambry Genetics
Classification: Uncertain significance for Primary ciliary dyskinesia. Last evaluated: 2024-11-13. Review status: criteria provided, single submitter. Criteria: Ambry Variant Classification Scheme 2023. Collection method: clinical testing. Allele origin: germline.

Labcorp Genetics (formerly Invitae), Labcorp
Classification: Uncertain significance for Primary ciliary dyskinesia. Last evaluated: 2022-09-19. Review status: criteria provided, single submitter. Criteria: Invitae Variant Classification Sherloc (09022015). Collection method: clinical testing. Allele origin: germline.
Comment: This sequence change replaces arginine, which is basic and polar, with cysteine, which is neutral and slightly polar, at codon 296 of the CCDC114 protein (p.Arg296Cys). This variant is present in population databases (rs147626899, gnomAD 0.01%). This variant has not been reported in the literature in individuals affected with CCDC114-related conditions. ClinVar contains an entry for this variant (Variation ID: 956411). Algorithms developed to predict the effect of missense changes on protein structure and function are either unavailable or do not agree on the potential impact of this missense change (SIFT: "Deleterious"; PolyPhen-2: "Probably Damaging"; Align-GVGD: "Class C0"). In summary, the available evidence is currently insufficient to determine the role of this variant in disease. Therefore, it has been classified as a Variant of Uncertain Significance.

NM_001364171.2(ODAD1):c.997C>T (p.Arg333Cys)

Gene: ODAD1 (outer dynein arm docking complex subunit 1; minus strand). Cytogenetic location: 19q13.33.
Variant type: single nucleotide variant.
Coding change: c.997C>T on transcript NM_001364171.2 (MANE Select); coding-DNA position 997, C replaced by T.
Protein change: p.Arg333Cys; replaces arginine 333 with cysteine.
Molecular consequence: missense variant.
Genome position (GRCh38, 1-based): chr19:48,303,087, G>A on the plus strand (C>T on the coding strand, the complement: ODAD1 is on the minus strand). VCF-style: chr19-48303087-G-A. GRCh37 (hg19) VCF-style: chr19-48806344-G-A.
Other names: c.886C>T, p.Arg296Cys (NM_144577.4); short protein forms R333C, R296C.
Identifiers: ClinVar variation 956411 (VCV000956411.4), dbSNP rs147626899, ClinGen allele CA9548867.
Genomic context (GRCh38, chr19:48,303,087, plus strand): 5'-CCTGCACATGCTCCAGCTCCAAGTTCTGCTCGTTGATGAAGTTGAACTCAGCAAAGTTGC[G>A]CTCCTCGACTGGGAGAGTTGGGCAAGGCGGGGCCCAGAGAGAGGGAGACAGAGAAACAGA-3'
Protein context (NP_001351100.1, residues 323-343): LVQKYLEIEE[Arg333Cys]NFAEFNFINE